The following is an entry in ClinVar:

ClinVar aggregate classification (germline): Uncertain significance. Review status: criteria provided, multiple submitters, no conflicts (2 of 4 stars). 2 submissions from 2 submitters: Uncertain significance (2). Last evaluated 2026-03-10.

Conditions:
Inborn genetic diseases. Identifiers: MedGen C0950123, MeSH D030342.

Submissions (2):

Ambry Genetics
Classification: Uncertain significance for Inborn genetic diseases. Last evaluated: 2026-03-10. Review status: criteria provided, single submitter. Criteria: Ambry Variant Classification Scheme 2023. Collection method: clinical testing. Allele origin: germline.

Labcorp Genetics (formerly Invitae), Labcorp
Classification: Uncertain significance. Last evaluated: 2025-05-22. Review status: criteria provided, single submitter. Criteria: Invitae Variant Classification Sherloc (09022015). Collection method: clinical testing. Allele origin: germline.
Comment: This sequence change replaces aspartic acid, which is acidic and polar, with glutamic acid, which is acidic and polar, at codon 42 of the PRPF31 protein (p.Asp42Glu). This variant is not present in population databases (gnomAD no frequency). This variant has not been reported in the literature in individuals affected with PRPF31-related conditions. An algorithm developed to predict the effect of missense changes on protein structure and function (PolyPhen-2) suggests that this variant is likely to be tolerated. In summary, the available evidence is currently insufficient to determine the role of this variant in disease. Therefore, it has been classified as a Variant of Uncertain Significance.

NM_015629.4(PRPF31):c.126T>G (p.Asp42Glu)

Gene: PRPF31 (pre-mRNA processing factor 31; plus strand). Cytogenetic location: 19q13.42.
Variant type: single nucleotide variant.
Coding change: c.126T>G on transcript NM_015629.4 (MANE Select); coding-DNA position 126, T replaced by G.
Protein change: p.Asp42Glu; replaces aspartic acid 42 with glutamic acid.
Molecular consequence: missense variant.
Genome position (GRCh38, 1-based): chr19:54,118,404, T>G. VCF-style: chr19-54118404-T-G. GRCh37 (hg19) VCF-style: chr19-54621784-T-G.
Other names: c.126T>G (NM_015629.3); short protein forms D42E.
Identifiers: ClinVar variation 4774612 (VCV004774612.2).